The following is an entry in ClinVar:

ClinVar aggregate classification (germline): Uncertain significance. Review status: criteria provided, multiple submitters, no conflicts (2 of 4 stars). 14 submissions from 14 submitters: Uncertain significance (13). 1 of the submissions does not count toward it. Last evaluated 2026-03-30.

Conditions:
Familial ovarian cancer. Identifiers: MedGen C5679802, MONDO:0016248.
BRIP1-related disorder. Also called: BRIP1-related condition; BRIP1-related disorders. Identifiers: MedGen CN239206.
Fanconi anemia complementation group J. Also called: BRIP1-Related Fanconi Anemia. Identifiers: Orphanet 84, MedGen C1836860, MONDO:0012187, OMIM 609054.
Ovarian cancer. Also called: OVARIAN CANCER, SOMATIC. Identifiers: Orphanet 213500, MedGen C1140680, MONDO:0008170, OMIM 167000.
Familial cancer of breast. Also called: hereditary breast carcinoma; BREAST CANCER, FAMILIAL; Hereditary breast cancer. Identifiers: Orphanet 227535, MedGen C0346153, MONDO:0016419, OMIM 114480. Disease mechanism: loss of function.
Hereditary cancer-predisposing syndrome. Also called: Neoplastic Syndromes, Hereditary; Tumor predisposition; Hereditary Cancer Syndrome; Hereditary neoplastic syndrome. Identifiers: Orphanet 140162, MedGen C0027672, MeSH D009386, MONDO:0015356.

Allele frequency attached by ClinVar (database versions not stated): ExAC 0.00002; gnomAD exomes 0.00002; gnomAD 0.00003 and 0.00004; TOPMed 0.00003; ESP Exome Variant Server 0.00015.
gnomAD v4.1: 9 of 1,612,868 alleles (0.00056%); highest among the groups gnomAD compares: African/African-American, 0.0013%; no homozygotes.

Submissions 1 to 8 of 14:

PreventionGenetics, part of Exact Sciences
Classification: Uncertain significance for BRIP1-related condition. Last evaluated: 2026-03-30. Review status: criteria provided, single submitter. Criteria: ACMG Guidelines, 2015. Collection method: clinical testing. Allele origin: germline.
Comment: The BRIP1 c.2563C>T variant is predicted to result in the amino acid substitution p.Arg855Cys. This variant has been reported in a cohort study of breast and ovarian cancer (Li et al. 2016. PubMed ID: 26534844), in an individual with breast cancer (Tung et al. 2014. PubMed ID: 25186627), in a control individual from an ovarian cancer study (Supp. Table 4, Ramus et al. 2015. PubMed ID: 26315354) and in an individual from a prostate cancer case control study with unknown cancer status (Supp. Table 2. Matejcic et al. 2020. PubMed ID: 32832836). This variant is reported in 0.0080% of alleles in individuals of African descent in gnomAD and is interpreted as uncertain in ClinVar (Variation ID: 216789). At this time, the clinical significance of this variant is uncertain due to the absence of conclusive functional and genetic evidence.

Labcorp Genetics (formerly Invitae), Labcorp
Classification: Uncertain significance for Familial cancer of breast; Fanconi anemia complementation group J. Last evaluated: 2025-12-18. Review status: criteria provided, single submitter. Criteria: Invitae Variant Classification Sherloc (09022015). Collection method: clinical testing. Allele origin: germline.
Comment: This sequence change replaces arginine, which is basic and polar, with cysteine, which is neutral and slightly polar, at codon 855 of the BRIP1 protein (p.Arg855Cys). This variant is present in population databases (rs146031731, gnomAD 0.004%). This missense change has been observed in individual(s) with breast and/or ovarian cancer (PMID: 25186627, 26534844). ClinVar contains an entry for this variant (Variation ID: 216789). Invitae Evidence Modeling of protein sequence and biophysical properties (such as structural, functional, and spatial information, amino acid conservation, physicochemical variation, residue mobility, and thermodynamic stability) has been performed for this missense variant. However, the output from this modeling did not meet the statistical confidence thresholds required to predict the impact of this variant on BRIP1 protein function. RNA analysis performed to evaluate the impact of this missense change on mRNA splicing indicates it does not significantly alter splicing (internal data). In summary, the available evidence is currently insufficient to determine the role of this variant in disease. Therefore, it has been classified as a Variant of Uncertain Significance.

Quest Diagnostics Nichols Institute San Juan Capistrano
Classification: Uncertain significance. Last evaluated: 2025-09-26. Review status: criteria provided, single submitter. Criteria: Quest Diagnostics criteria. Collection method: clinical testing. Allele origin: unknown.
Comment: The BRIP1 c.2563C>T (p.Arg855Cys) variant has been reported in the published literature in an individual affected with breast cancer (PMID: 25186627 (2015)) and in a breast cancer family who also carried the pathogenic BRCA2 variant (PMID: 26534844 (2016)). The variant has also been described in reportedly unaffected individuals (PMIDs: 26315354 (2015) and 33471991 (2021), see also LOVD)). The frequency of this variant in the general population (Genome Aggregation Database) is uninformative in the assessment of its pathogenicity. Analysis of this variant using bioinformatics tools for the prediction of the effect of amino acid changes on protein structure and function yielded conflicting predictions that this variant is benign or damaging. Based on the available information, we are unable to determine the clinical significance of this variant.

Women's Health and Genetics/Laboratory Corporation of America, LabCorp
Classification: Uncertain significance. Last evaluated: 2025-04-03. Review status: criteria provided, single submitter. Criteria: LabCorp Variant Classification Summary - May 2015. Collection method: clinical testing. Allele origin: germline.
Comment: Variant summary: BRIP1 c.2563C>T (p.Arg855Cys) results in a non-conservative amino acid change located in the ATP-dependent helicase, C-terminal of the encoded protein sequence. Five of five in-silico tools predict a damaging effect of the variant on protein function. The variant allele was found at a frequency of 1.9e-05 in 258180 control chromosomes. The available data on variant occurrences in the general population are insufficient to allow any conclusion about variant significance. c.2563C>T has been reported in the literature in one individual with breast cancer (Tung_2015) and in a breast cancer family who also carried pathogenic BRCA2 c.51_52delAC, p.Arg18Leufs*12 (Li_2016). To our knowledge, no experimental evidence demonstrating an impact on protein function has been reported. The following publications have been ascertained in the context of this evaluation (PMID: 26315354, 25186627, 26534844). ClinVar contains an entry for this variant (Variation ID: 216789). Based on the evidence outlined above, the variant was classified as uncertain significance.

Ambry Genetics
Classification: Uncertain significance for Hereditary cancer-predisposing syndrome. Last evaluated: 2025-03-05. Review status: criteria provided, single submitter. Criteria: Ambry Variant Classification Scheme 2023. Collection method: clinical testing. Allele origin: germline.
Comment: The p.R855C variant (also known as c.2563C>T), located in coding exon 17 of the BRIP1 gene, results from a C to T substitution at nucleotide position 2563. The arginine at codon 855 is replaced by cysteine, an amino acid with highly dissimilar properties. This alteration has been identified in individuals diagnosed with ovarian, breast and/or prostate cancer (Ramus SJ et al. J Natl Cancer Inst, 2015 Nov;107:; Tung N et al. Cancer, 2015 Jan;121:25-33; Matejcic M et al. JCO Precis Oncol, 2020 Jan;4:32-43). This amino acid position is well conserved in available vertebrate species. In addition, the in silico prediction for this alteration is inconclusive. Based on the available evidence, the clinical significance of this variant remains unclear.

Color Diagnostics, LLC DBA Color Health
Classification: Uncertain significance for Hereditary cancer-predisposing syndrome. Last evaluated: 2025-03-04. Review status: criteria provided, single submitter. Criteria: ACMG Guidelines, 2015. Collection method: clinical testing. Allele origin: germline.
Comment: This missense variant replaces arginine with cysteine at codon 855 of the BRIP1 protein. Computational prediction is inconclusive regarding the impact of this variant on protein structure and function. To our knowledge, functional studies have not been reported for this variant. This variant has been reported in a family affected with Hereditary Breast and Ovarian Cancer Syndrome who also carried a pathogenic BRCA2 truncation variant (PMID: 26534844). This variant has been identified in 5/282696 chromosomes in the general population by the Genome Aggregation Database (gnomAD). The available evidence is insufficient to determine the role of this variant in disease conclusively. Therefore, this variant is classified as a Variant of Uncertain Significance.

GeneDx
Classification: Uncertain significance. Last evaluated: 2024-06-09. Review status: criteria provided, single submitter. Criteria: GeneDx Variant Classification Process June 2021. Collection method: clinical testing. Allele origin: germline. Affected: yes.
Comment: Observed in individuals with breast cancer (PMID: 26534844); Not observed at significant frequency in large population cohorts (gnomAD); In silico analysis supports that this missense variant has a deleterious effect on protein structure/function; This variant is associated with the following publications: (PMID: 26315354, 26534844, 33471991)

Baylor Genetics
Classification: Uncertain significance for Familial cancer of breast. Last evaluated: 2024-02-15. Review status: criteria provided, single submitter. Criteria: ACMG Guidelines, 2015. Collection method: clinical testing. Allele origin: unknown.

NM_032043.3(BRIP1):c.2563C>T (p.Arg855Cys)

Gene: BRIP1 (BRCA1 interacting DNA helicase 1; minus strand). Cytogenetic location: 17q23.2.
Variant type: single nucleotide variant.
Coding change: c.2563C>T on transcript NM_032043.3 (MANE Select); coding-DNA position 2563, C replaced by T.
Protein change: p.Arg855Cys; replaces arginine 855 with cysteine.
Molecular consequence: missense variant.
Genome position (GRCh38, 1-based): chr17:61,693,442, G>A on the plus strand (C>T on the coding strand, the complement: BRIP1 is on the minus strand). VCF-style: chr17-61693442-G-A. GRCh37 (hg19) VCF-style: chr17-59770803-G-A.
Other names: short protein forms R855C.
Identifiers: ClinVar variation 216789 (VCV000216789.74), dbSNP rs146031731, ClinGen allele CA338792.